The following is an entry in ClinVar:

ClinVar aggregate classification (germline): Uncertain significance (1 of 4 stars; one submission).

Submission:

GeneDx
Classification: Uncertain significance. Last evaluated: 2024-11-17. Review status: criteria provided, single submitter. Criteria: GeneDx Variant Classification Process June 2021. Collection method: clinical testing. Allele origin: germline. Affected: yes.
Comment: Not observed at significant frequency in large population cohorts (gnomAD); Missense variant in a gene in which most reported pathogenic variants are truncating/loss of function; Has not been previously published as pathogenic or benign to our knowledge

NM_001267550.2(TTN):c.43555G>A (p.Glu14519Lys)

Gene: TTN (titin; minus strand). Cytogenetic location: 2q31.2.
Variant type: single nucleotide variant.
Coding change: c.43555G>A on transcript NM_001267550.2 (MANE Select); coding-DNA position 43555, G replaced by A.
Protein change: p.Glu14519Lys; replaces glutamic acid 14519 with lysine.
Molecular consequence: missense variant.
Genome position (GRCh38, 1-based): chr2:178,632,339, C>T on the plus strand (G>A on the coding strand, the complement: TTN is on the minus strand). VCF-style: chr2-178632339-C-T. GRCh37 (hg19) VCF-style: chr2-179497066-C-T.
Other names: c.16936G>A, p.Glu5646Lys (NM_133437.4); c.38632G>A, p.Glu12878Lys (NM_001256850.1); c.16360G>A, p.Glu5454Lys (NM_003319.4); c.35851G>A, p.Glu11951Lys (NM_133378.4); c.16735G>A, p.Glu5579Lys (NM_133432.3); short protein forms E11951K, E12878K, E14519K, E5454K, E5579K, E5646K.
Identifiers: ClinVar variation 3899777 (VCV003899777.1).